The following is an entry in ClinVar:

ClinVar aggregate classification (germline): Benign/Likely benign. Review status: criteria provided, multiple submitters, no conflicts (2 of 4 stars). 3 submissions from 3 submitters: Benign (1); Likely benign (2). Last evaluated 2026-01-05.

Conditions:
Primary pulmonary hypertension. Also called: Idiopathic pulmonary hypertension. Identifiers: MedGen C0152171.
Inborn genetic diseases. Identifiers: MedGen C0950123, MeSH D030342.
Pulmonary hypertension, primary, 1 (PPH1). Also called: Pulmonary hypertension, familial primary, 1, with or without HHT. Identifiers: Orphanet 422, MedGen C4552070, MONDO:0024533, OMIM 178600.

Allele frequency attached by ClinVar (database versions not stated): gnomAD 0.00009 and 0.00021; TOPMed 0.00015; gnomAD exomes 0.00025 and 0.00032; ExAC 0.00028; 1000 Genomes Project 30x 0.00078; 1000 Genomes Project 0.00100.
gnomAD v4.1: 493 of 1,614,202 alleles (0.031%); highest among the groups gnomAD compares: East Asian, 1.1%; 6 homozygotes.

Submissions (3):

Labcorp Genetics (formerly Invitae), Labcorp
Classification: Benign for Primary pulmonary hypertension. Last evaluated: 2026-01-05. Review status: criteria provided, single submitter. Criteria: Invitae Variant Classification Sherloc (09022015). Collection method: clinical testing. Allele origin: germline.

Ambry Genetics
Classification: Likely benign for Inborn genetic diseases. Last evaluated: 2024-11-26. Review status: criteria provided, single submitter. Criteria: Ambry Variant Classification Scheme 2023. Collection method: clinical testing. Allele origin: germline.

Illumina Laboratory Services, Illumina
Classification: Likely benign for Pulmonary hypertension, primary, 1. Last evaluated: 2017-04-27. Review status: criteria provided, single submitter. Criteria: ICSL Variant Classification Criteria 13 December 2019. Collection method: clinical testing. Allele origin: germline.
Comment: This variant was observed as part of a predisposition screen in an ostensibly healthy population. A literature search was performed for the gene, cDNA change, and amino acid change (where applicable). Publications were found based on this search. The evidence from the literature, in combination with allele frequency data from public databases where available, was sufficient to determine this variant is unlikely to cause disease. Therefore, this variant is classified as likely benign.

Literature cited by the submitters: PubMed 20002458 (cited by Illumina Laboratory Services, Illumina); PubMed 15146475 (cited by Illumina Laboratory Services, Illumina).

NM_001204.7(BMPR2):c.2379A>C (p.Thr793=)

Gene: BMPR2 (bone morphogenetic protein receptor type 2; plus strand). Cytogenetic location: 2q33.2.
Variant type: single nucleotide variant.
Coding change: c.2379A>C on transcript NM_001204.7 (MANE Select); coding-DNA position 2379, A replaced by C.
Protein change: p.Thr793=; no amino-acid change (threonine 793 retained).
Molecular consequence: synonymous variant.
Genome position (GRCh38, 1-based): chr2:202,556,044, A>C. VCF-style: chr2-202556044-A-C. GRCh37 (hg19) VCF-style: chr2-203420767-A-C.
Other names: c.2379A>C (LRG_712t1).
Identifiers: ClinVar variation 333648 (VCV000333648.14), dbSNP rs3731697, ClinGen allele CA2061526.